The following is an entry in ClinVar:

ClinVar aggregate classification (germline): Pathogenic. Review status: criteria provided, multiple submitters, no conflicts (2 of 4 stars). 2 submissions from 2 submitters: Pathogenic (2). Last evaluated 2026-05-04.

Conditions:
Norman-Roberts syndrome (LIS2). Also called: Lissencephaly 2 (Norman-Roberts type). Identifiers: Orphanet 89844, MedGen C0796089, MONDO:0009760, OMIM 257320.
Familial temporal lobe epilepsy 7. Identifiers: Orphanet 101046, MedGen C4225327, MONDO:0014639, OMIM 616436.
Inborn genetic diseases. Identifiers: MedGen C0950123, MeSH D030342.

Submissions (2):

Ambry Genetics
Classification: Pathogenic for Inborn genetic diseases. Last evaluated: 2026-05-04. Review status: criteria provided, single submitter. Criteria: Ambry Variant Classification Scheme 2023. Collection method: clinical testing. Allele origin: germline.
Comment: The c.3615_3616delAG (p.E1207Gfs*3) alteration, located in exon 26 (coding exon 26) of the RELN gene, consists of a deletion of 2 nucleotides from position 3615 to 3616, causing a translational frameshift with a predicted alternate stop codon after 3 amino acids. This variant is expected to result in loss of function by premature protein truncation or nonsense-mediated mRNA decay. Based on the available evidence, the RELN c.3615_3616delAG (p.E1207Gfs*3) variant is classified as pathogenic for autosomal recessive RELN-related lissencephaly with a loss of function mechanism of disease; however, its clinical significance for autosomal dominant RELN-related lateral temporal epilepsy and RELN-related malformations of cortical development is uncertain. This variant was not reported in population-based cohorts in the Genome Aggregation Database (gnomAD). Based on the available evidence, this alteration is classified as pathogenic.

Labcorp Genetics (formerly Invitae), Labcorp
Classification: Pathogenic for Familial temporal lobe epilepsy 7; Norman-Roberts syndrome. Last evaluated: 2024-05-15. Review status: criteria provided, single submitter. Criteria: Invitae Variant Classification Sherloc (09022015). Collection method: clinical testing. Allele origin: germline.
Comment: This sequence change creates a premature translational stop signal (p.Glu1207Glyfs*3) in the RELN gene. It is expected to result in an absent or disrupted protein product. Loss-of-function variants in RELN are known to be pathogenic (PMID: 10973257, 26046367, 28454995). This variant is not present in population databases (gnomAD no frequency). This variant has not been reported in the literature in individuals affected with RELN-related conditions. For these reasons, this variant has been classified as Pathogenic.

Literature cited by the submitters: PubMed 10973257 (cited by Labcorp Genetics (formerly Invitae), Labcorp); PubMed 26046367 (cited by Labcorp Genetics (formerly Invitae), Labcorp); PubMed 28454995 (cited by Labcorp Genetics (formerly Invitae), Labcorp).

NM_005045.4(RELN):c.3615_3616del (p.Glu1207fs)

Gene: RELN (reelin; minus strand). Cytogenetic location: 7q22.1.
Variant type: Deletion.
Coding change: c.3615_3616del on transcript NM_005045.4 (MANE Select); coding-DNA positions 3615 to 3616, 2 bases deleted (AG; older notation c.3615_3616delAG).
Protein change: p.Glu1207fs; shifts the reading frame from glutamic acid 1207.
Molecular consequence: frameshift variant.
Genome position (GRCh38, 1-based): chr7:103,594,416-103,594,417, CT deleted on the plus strand (AG on the coding strand, the reverse complement: RELN is on the minus strand). VCF-style (leftmost placement, unchanged base first): chr7-103594415-CCT-C. GRCh37 (hg19) VCF-style: chr7-103234862-CCT-C.
Other names: c.3615_3616delAG (NM_005045.3); c.3615_3616del, p.Glu1207fs (NM_173054.3); short protein forms E1207fs.
Identifiers: ClinVar variation 2943029 (VCV002943029.4), dbSNP rs2484794385, ClinGen allele CA2740097470.
Genomic context (GRCh38, chr7:103,594,415, plus strand): 5'-TGCTTCTGCTTCTCGGACAGAATGATGATGTCATCGACTGCCCACTGGTCATAGTCCTCC[CCT>C]GAGAACACGGGCTGCCACCAGCGGAACCTGGTGCAAGGGGTCTTGGCAGCAGCTGGAAGC-3'